The following is an entry in ClinVar:

NM_022041.4(GAN):c.1315G>A (p.Glu439Lys)

Gene: GAN (gigaxonin; plus strand). Cytogenetic location: 16q23.2.
Variant type: single nucleotide variant.
Coding change: c.1315G>A on transcript NM_022041.4 (MANE Select); coding-DNA position 1315, G replaced by A.
Protein change: p.Glu439Lys; replaces glutamic acid 439 with lysine.
Molecular consequence: missense variant.
Genome position (GRCh38, 1-based): chr16:81,365,052, G>A. VCF-style: chr16-81365052-G-A. GRCh37 (hg19) VCF-style: chr16-81398657-G-A.
Other names: c.676G>A, p.Glu226Lys (NM_001377486.1); short protein forms E226K, E439K.
Identifiers: ClinVar variation 1304903 (VCV001304903.3), dbSNP rs2150691652, ClinGen allele CA396890956.

ClinVar aggregate classification (germline): Uncertain significance. Review status: criteria provided, multiple submitters, no conflicts (2 of 4 stars). 2 submissions from 2 submitters: Uncertain significance (2). Last evaluated 2022-05-05.

Conditions:
Giant axonal neuropathy 1 (GAN1). Also called: GIANT AXONAL NEUROPATHY 1, AUTOSOMAL RECESSIVE; GAN-Related Neurodegeneration. Identifiers: Orphanet 643, MedGen C1850386, MONDO:0009749, OMIM 256850.

gnomAD v4.1: 4 of 1,613,804 alleles (0.00025%); highest among the groups gnomAD compares: Non-Finnish European, 0.00034%; no homozygotes.

Submissions (2):

Labcorp Genetics (formerly Invitae), Labcorp
Classification: Uncertain significance for Giant axonal neuropathy 1. Last evaluated: 2022-05-05. Review status: criteria provided, single submitter. Criteria: Invitae Variant Classification Sherloc (09022015). Collection method: clinical testing. Allele origin: germline.
Comment: This sequence change replaces glutamic acid, which is acidic and polar, with lysine, which is basic and polar, at codon 439 of the GAN protein (p.Glu439Lys). This variant is not present in population databases (gnomAD no frequency). This variant has not been reported in the literature in individuals affected with GAN-related conditions. ClinVar contains an entry for this variant (Variation ID: 1304903). Algorithms developed to predict the effect of missense changes on protein structure and function are either unavailable or do not agree on the potential impact of this missense change (SIFT: "Deleterious"; PolyPhen-2: "Probably Damaging"; Align-GVGD: "Class C0"). In summary, the available evidence is currently insufficient to determine the role of this variant in disease. Therefore, it has been classified as a Variant of Uncertain Significance.

GeneDx
Classification: Uncertain significance. Last evaluated: 2019-11-07. Review status: criteria provided, single submitter. Criteria: GeneDx Variant Classification Process June 2021. Collection method: clinical testing. Allele origin: germline. Affected: yes.
Comment: Not observed in large population cohorts (Lek et al., 2016); The majority of missense variants in this gene are considered pathogenic (Stenson et al., 2014); In silico analysis, which includes protein predictors and evolutionary conservation, supports a deleterious effect; Has not been previously published as pathogenic or benign to our knowledge